The following is an entry in ClinVar:

NM_001009944.3(PKD1):c.8034C>T (p.Leu2678=)

Gene: PKD1 (polycystin 1, transient receptor potential channel interacting; minus strand). Cytogenetic location: 16p13.3.
Variant type: single nucleotide variant.
Coding change: c.8034C>T on transcript NM_001009944.3 (MANE Select); coding-DNA position 8034, C replaced by T.
Protein change: p.Leu2678=; no amino-acid change (leucine 2678 retained).
Molecular consequence: synonymous variant.
Genome position (GRCh38, 1-based): chr16:2,104,625, G>A on the plus strand (C>T on the coding strand, the complement: PKD1 is on the minus strand). VCF-style: chr16-2104625-G-A. GRCh37 (hg19) VCF-style: chr16-2154626-G-A.
Other names: c.8034C>T, p.Leu2678= (NM_000296.4).
Identifiers: ClinVar variation 4847561 (VCV004847561.2).
Genomic context (GRCh38, chr16:2,104,625, plus strand): 5'-CAGGATGAGCATCATGGCCTCCAGCTTGTGCAGCGTCTGCTTCAGGCACGAGCGGCATAC[G>A]AGCTCCCTGCTGGGCCCCTGTGTGGAGCCAGCAGTGTCCAGCCCCGCTCCTGGCCCCACT-3'
Protein context (NP_001009944.3, residues 2668-2688): LAQCMGPSRE[Leu2678=]VCRSCLKQTL

ClinVar aggregate classification (germline): Likely benign. Review status: criteria provided, multiple submitters, no conflicts (2 of 4 stars). 2 submissions from 2 submitters: Likely benign (2). Last evaluated 2026-03-02.

gnomAD v4.1: 139 of 1,567,242 alleles (0.0089%); highest among the groups gnomAD compares: South Asian, 0.027%; no homozygotes.

Submissions (2):

Women's Health and Genetics/Laboratory Corporation of America, LabCorp
Classification: Likely benign. Last evaluated: 2026-03-02. Review status: criteria provided, single submitter. Criteria: LabCorp Variant Classification Summary - May 2015. Collection method: clinical testing. Allele origin: germline.
Comment: Variant summary: PKD1 c.8034C>T alters a conserved nucleotide resulting in a synonymous change. Consensus agreement among computation tools predict no significant impact on normal splicing. However, these predictions have yet to be confirmed by functional studies. The variant allele was found at a frequency of 0.00015 in 140692 control chromosomes. This frequency is not significantly higher than estimated for disease-causing variants in PKD1, allowing no conclusion about variant significance. To our knowledge, no occurrence of c.8034C>T in individuals affected with PKD1-related conditions and no experimental evidence demonstrating its impact on protein function have been reported. The following publications have been ascertained in the context of this evaluation (PMID: 35982159, 35982160). No submitters have cited clinical-significance assessments for this variant to ClinVar. Based on the evidence outlined above, the variant was classified as likely benign.

Blueprint Genetics
Classification: Likely benign. Last evaluated: 2024-10-21. Review status: criteria provided, single submitter. Criteria: ACMG Guidelines, 2015. Collection method: clinical testing. Allele origin: germline.

Literature cited by the submitters: PubMed 35982160 (cited by Women's Health and Genetics/Laboratory Corporation of America, LabCorp); PubMed 35982159 (cited by Women's Health and Genetics/Laboratory Corporation of America, LabCorp).